The following is an entry in ClinVar:

NM_014363.6(SACS):c.11092C>T (p.Gln3698Ter)

Gene: SACS (sacsin molecular chaperone; minus strand). Cytogenetic location: 13q12.12.
Variant type: single nucleotide variant.
Coding change: c.11092C>T on transcript NM_014363.6 (MANE Select); coding-DNA position 11092, C replaced by T.
Protein change: p.Gln3698Ter; replaces glutamine 3698 with a stop codon.
Molecular consequence: nonsense.
Genome position (GRCh38, 1-based): chr13:23,332,784, G>A on the plus strand (C>T on the coding strand, the complement: SACS is on the minus strand). VCF-style: chr13-23332784-G-A. GRCh37 (hg19) VCF-style: chr13-23906923-G-A.
Other names: NM_001278055.2:c.10651C>T; c.10651C>T, p.Gln3551Ter (NM_001278055.2); short protein forms Q3551*, Q3698*.
Identifiers: ClinVar variation 2412731 (VCV002412731.2), dbSNP rs1883571494, ClinGen allele CA387510751.

ClinVar aggregate classification (germline): Likely pathogenic. Review status: criteria provided, multiple submitters, no conflicts (2 of 4 stars). 2 submissions from 2 submitters: Likely pathogenic (2). Last evaluated 2024-05-06.

Conditions:
Charlevoix-Saguenay spastic ataxia (SACS). Also called: SPASTIC ATAXIA 6, AUTOSOMAL RECESSIVE; Spastic ataxia of Charlevoix-Saguenay; AUTOSOMAL RECESSIVE SPASTIC ATAXIA OF CHARLEVOIX-SAGUENAY. Identifiers: Orphanet 98, MedGen C1849140, MONDO:0010041, OMIM 270550.

Submissions (2):

Fulgent Genetics
Classification: Likely pathogenic for Charlevoix-Saguenay spastic ataxia. Last evaluated: 2024-05-06. Review status: criteria provided, single submitter. Criteria: ACMG Guidelines, 2015. Collection method: clinical testing. Allele origin: germline.

Broad Center for Mendelian Genomics, Broad Institute of MIT and Harvard
Classification: Likely pathogenic for Charlevoix-Saguenay spastic ataxia. Last evaluated: 2023-01-25. Review status: criteria provided, single submitter. Criteria: ACMG Guidelines, 2015. Collection method: curation. Allele origin: germline. Inheritance: Autosomal recessive inheritance.
Comment: The homozygous p.Gln3698Ter variant in SACS was identified by our study in three siblings with spastic ataxia. The p.Gln3698Ter variant in SACS has not been previously reported in individuals with spastic ataxia of the Charlevoix-Saguenay type. This variant was absent from large population studies. This nonsense variant leads to a premature termination codon at position 3698. This alteration occurs within the last exon and is more likely to escape nonsense mediated decay (NMD) and result in a truncated protein. Loss of function of the SACS gene is an established disease mechanism of autosomal recessive spastic ataxia of the Charlevoix-Saguenay type. In summary, although additional studies are required to fully establish its clinical significance, this variant is likely pathogenic for autosomal recessive spastic ataxia of the Charlevoix-Saguenay type. ACMG/AMP Criteria applied: PVS1_Strong, PM2_Supporting, PM3_Supporting (Richards 2015).